The following is an entry in ClinVar:

ClinVar aggregate classification (germline): Conflicting classifications of pathogenicity. Review status: criteria provided, conflicting classifications (1 of 4 stars). 2 submissions from 2 submitters: Uncertain significance (1); Likely benign (1). Last evaluated 2026-01-22.

Allele frequency attached by ClinVar (database versions not stated): gnomAD exomes 0.00006; gnomAD 0.00011 and 0.00018; ExAC 0.00018; TOPMed 0.00025.
gnomAD v4.1: 269 of 1,550,250 alleles (0.017%); highest among the groups gnomAD compares: Middle Eastern, 0.05%; no homozygotes.

Submissions (2):

Labcorp Genetics (formerly Invitae), Labcorp
Classification: Uncertain significance. Last evaluated: 2026-01-22. Review status: criteria provided, single submitter. Criteria: Invitae Variant Classification Sherloc (09022015). Collection method: clinical testing. Allele origin: germline.
Comment: This sequence change replaces proline, which is neutral and non-polar, with arginine, which is basic and polar, at codon 29 of the TCF3 protein (p.Pro29Arg). This variant is present in population databases (rs780251865, gnomAD 0.01%). This variant has not been reported in the literature in individuals affected with TCF3-related conditions. ClinVar contains an entry for this variant (Variation ID: 1450832). Invitae Evidence Modeling of protein sequence and biophysical properties (such as structural, functional, and spatial information, amino acid conservation, physicochemical variation, residue mobility, and thermodynamic stability) indicates that this missense variant is expected to disrupt TCF3 protein function with a positive predictive value of 80%. In summary, the available evidence is currently insufficient to determine the role of this variant in disease. Therefore, it has been classified as a Variant of Uncertain Significance.

Blueprint Genetics
Classification: Likely benign. Last evaluated: 2024-11-05. Review status: criteria provided, single submitter. Criteria: ACMG Guidelines, 2015. Collection method: clinical testing. Allele origin: germline.

NM_003200.5(TCF3):c.86C>G (p.Pro29Arg)

Gene: TCF3 (transcription factor 3; minus strand). Cytogenetic location: 19p13.3.
Variant type: single nucleotide variant.
Coding change: c.86C>G on transcript NM_003200.5 (MANE Select); coding-DNA position 86, C replaced by G.
Protein change: p.Pro29Arg; replaces proline 29 with arginine.
Molecular consequence: missense variant.
Genome position (GRCh38, 1-based): chr19:1,646,414, G>C on the plus strand (C>G on the coding strand, the complement: TCF3 is on the minus strand). VCF-style: chr19-1646414-G-C. GRCh37 (hg19) VCF-style: chr19-1646413-G-C.
Other names: c.86C>G, p.Pro29Arg (NM_001136139.4, NM_001351778.2, NM_001351779.2); short protein forms P29R.
Identifiers: ClinVar variation 1450832 (VCV001450832.7), dbSNP rs780251865, ClinGen allele CA9050585.